The following is an entry in ClinVar:

ClinVar aggregate classification (germline): Uncertain significance. Review status: criteria provided, multiple submitters, no conflicts (2 of 4 stars). 3 submissions from 3 submitters: Uncertain significance (3). Last evaluated 2024-07-30.

Conditions:
Hereditary cancer-predisposing syndrome. Also called: Hereditary neoplastic syndrome; Neoplastic Syndromes, Hereditary; Tumor predisposition; Hereditary Cancer Syndrome. Identifiers: Orphanet 140162, MedGen C0027672, MeSH D009386, MONDO:0015356.
Ataxia-telangiectasia syndrome (AT). Also called: Ataxia telangiectasia (A-T); LOUIS-BAR SYNDROME; Cerebello-oculocutaneous telangiectasia; Immunodeficiency with ataxia telangiectasia; Ataxia-telangiectasia, complementation group D; AT, COMPLEMENTATION GROUP C. Identifiers: Orphanet 100, MedGen C0004135, MONDO:0008840, OMIM 208900.

Submissions (3):

Labcorp Genetics (formerly Invitae), Labcorp
Classification: Uncertain significance for Ataxia-telangiectasia syndrome. Last evaluated: 2024-07-30. Review status: criteria provided, single submitter. Criteria: Invitae Variant Classification Sherloc (09022015). Collection method: clinical testing. Allele origin: germline.
Comment: This sequence change replaces glutamic acid, which is acidic and polar, with glutamine, which is neutral and polar, at codon 2990 of the ATM protein (p.Glu2990Gln). This variant is not present in population databases (gnomAD no frequency). This variant has not been reported in the literature in individuals affected with ATM-related conditions. ClinVar contains an entry for this variant (Variation ID: 1700908). An algorithm developed to predict the effect of missense changes on protein structure and function outputs the following: PolyPhen-2: "Benign". The glutamine amino acid residue is found in multiple mammalian species, which suggests that this missense change does not adversely affect protein function. In summary, the available evidence is currently insufficient to determine the role of this variant in disease. Therefore, it has been classified as a Variant of Uncertain Significance.

Ambry Genetics
Classification: Uncertain significance for Hereditary cancer-predisposing syndrome. Last evaluated: 2023-06-26. Review status: criteria provided, single submitter. Criteria: Ambry Variant Classification Scheme 2023. Collection method: clinical testing. Allele origin: germline.
Comment: The p.E2990Q variant (also known as c.8968G>C), located in coding exon 61 of the ATM gene, results from a G to C substitution at nucleotide position 8968. The glutamic acid at codon 2990 is replaced by glutamine, an amino acid with highly similar properties. This amino acid position is not well conserved in available vertebrate species. In addition, this alteration is predicted to be tolerated by in silico analysis. Since supporting evidence is limited at this time, the clinical significance of this alteration remains unclear.

GeneDx
Classification: Uncertain significance. Last evaluated: 2022-02-10. Review status: criteria provided, single submitter. Criteria: GeneDx Variant Classification Process June 2021. Collection method: clinical testing. Allele origin: germline. Affected: yes.
Comment: Not observed at significant frequency in large population cohorts (gnomAD); In silico analysis supports that this missense variant does not alter protein structure/function; Has not been previously published as pathogenic or benign to our knowledge; This variant is associated with the following publications: (PMID: 23532176)

NM_000051.4(ATM):c.8968G>C (p.Glu2990Gln)

Genes: ATM (ATM serine/threonine kinase; plus strand), C11orf65 (chromosome 11 open reading frame 65; minus strand). Cytogenetic location: 11q22.3.
Variant type: single nucleotide variant.
Coding change: c.8968G>C on transcript NM_000051.4 (MANE Select); coding-DNA position 8968, G replaced by C.
Protein change: p.Glu2990Gln; replaces glutamic acid 2990 with glutamine.
Molecular consequence: missense variant. On other transcripts: intron variant (2).
Genome position (GRCh38, 1-based): chr11:108,365,199, G>C. VCF-style: chr11-108365199-G-C. GRCh37 (hg19) VCF-style: chr11-108235926-G-C.
Other names: c.8968G>C, p.Glu2990Gln (NM_001351834.2); c.640+20721C>G (NM_001330368.2); c.694+20721C>G (NM_001351110.2); short protein forms E2990Q.
Identifiers: ClinVar variation 1700908 (VCV001700908.7), dbSNP rs1800558, ClinGen allele CA382530343.